The following is an entry in ClinVar:

ClinVar aggregate classification (germline): Uncertain significance (1 of 4 stars; one submission).

Submission:

GeneDx
Classification: Uncertain significance. Last evaluated: 2024-10-21. Review status: criteria provided, single submitter. Criteria: GeneDx Variant Classification Process June 2021. Collection method: clinical testing. Allele origin: germline. Affected: yes.
Comment: Not observed at significant frequency in large population cohorts (gnomAD); In silico analysis supports that this missense variant has a deleterious effect on protein structure/function; Has not been previously published as pathogenic or benign to our knowledge

NM_001170629.2(CHD8):c.2176G>T (p.Val726Leu)

Gene: CHD8 (chromodomain helicase DNA binding protein 8; minus strand). Cytogenetic location: 14q11.2.
Variant type: single nucleotide variant.
Coding change: c.2176G>T on transcript NM_001170629.2 (MANE Select); coding-DNA position 2176, G replaced by T.
Protein change: p.Val726Leu; replaces valine 726 with leucine.
Molecular consequence: missense variant.
Genome position (GRCh38, 1-based): chr14:21,412,963, C>A on the plus strand (G>T on the coding strand, the complement: CHD8 is on the minus strand). VCF-style: chr14-21412963-C-A. GRCh37 (hg19) VCF-style: chr14-21881122-C-A.
Other names: c.1339G>T, p.Val447Leu (NM_020920.4); short protein forms V447L, V726L.
Identifiers: ClinVar variation 3893380 (VCV003893380.1).